The following is an entry in ClinVar:

NM_007118.4(TRIO):c.8014G>T (p.Val2672Leu)

Gene: TRIO (trio Rho guanine nucleotide exchange factor; plus strand). Cytogenetic location: 5p15.2.
Variant type: single nucleotide variant.
Coding change: c.8014G>T on transcript NM_007118.4 (MANE Select); coding-DNA position 8014, G replaced by T.
Protein change: p.Val2672Leu; replaces valine 2672 with leucine.
Molecular consequence: missense variant. On other transcripts: non-coding transcript variant (1).
Genome position (GRCh38, 1-based): chr5:14,497,012, G>T. VCF-style: chr5-14497012-G-T. GRCh37 (hg19) VCF-style: chr5-14497121-G-T.
Other names: short protein forms V2672L.
Identifiers: ClinVar variation 1303586 (VCV001303586.2), dbSNP rs753808954, ClinGen allele CA359238965.
Genomic context (GRCh38, chr5:14,497,012, plus strand): 5'-GAAGGCAAGTTAGAGAACGGTTATCGGAAGTCACGGGAAGGACTCAGCAACAAGGTATCT[G>T]TGAAGGTGTGTTCGGGGGTCTTCAGGAGTCCGTGTCATCCCAGCATGAGAGAAAGGATCA-3'
Protein context (NP_009049.2, residues 2662-2682): SREGLSNKVS[Val2672Leu]KLLNPNYIYD

ClinVar aggregate classification (germline): Uncertain significance (1 of 4 stars; one submission).

Submission:

GeneDx
Classification: Uncertain significance. Last evaluated: 2020-06-25. Review status: criteria provided, single submitter. Criteria: GeneDx Variant Classification Process June 2021. Collection method: clinical testing. Allele origin: germline. Affected: yes.
Comment: Not observed in large population cohorts (Lek et al., 2016); In silico analysis supports that this missense variant does not alter protein structure/function; Has not been previously published as pathogenic or benign to our knowledge